The following is an entry in ClinVar:

ClinVar aggregate classification (germline): Uncertain significance (1 of 4 stars; one submission).

Submission:

GeneDx
Classification: Uncertain significance. Last evaluated: 2022-04-28. Review status: criteria provided, single submitter. Criteria: GeneDx Variant Classification Process June 2021. Collection method: clinical testing. Allele origin: germline. Affected: yes.
Comment: Not observed at significant frequency in large population cohorts (gnomAD); In silico analysis supports that this missense variant does not alter protein structure/function; Has not been previously published as pathogenic or benign to our knowledge

NM_015443.4(KANSL1):c.749C>G (p.Pro250Arg)

Gene: KANSL1 (KAT8 regulatory NSL complex subunit 1). Cytogenetic location: 17q21.31.
Variant type: single nucleotide variant.
Coding change: c.749C>G on transcript NM_015443.4 (MANE Select); coding-DNA position 749, C replaced by G.
Protein change: p.Pro250Arg; replaces proline 250 with arginine.
Molecular consequence: missense variant.
Genome position (GRCh38, 1-based): chr17:46,171,395, G>C on the plus strand (C>G on the coding strand, the complement: KANSL1 is on the minus strand). VCF-style: chr17-46171395-G-C. GRCh37 (hg19) VCF-style: chr17-44248761-G-C.
Other names: c.749C>G, p.Pro250Arg (NM_001193465.2, NM_001193466.2, NM_001379198.1 and 18 more transcripts); short protein forms P250R.
Identifiers: ClinVar variation 1712619 (VCV001712619.2), dbSNP rs2545084038, ClinGen allele CA399980878.
Genomic context (GRCh38, chr17:46,171,395, plus strand): 5'-AGGGGAGACTTTTTACCCTCCAATTTGACACCCCCCAAGTTAGAGCTGGAGTCTGTACCA[G>C]GTGATAATCTACTGCTTCCTTGAAGTGCCGGCTGTTCCATGGAATTGACAGAGGATTTGT-3'
Protein context (NP_056258.1, residues 240-260): PALQGSSRLS[Pro250Arg]GTDSSSNLGG